The following is an entry in ClinVar:

ClinVar aggregate classification (germline): Uncertain significance. Review status: criteria provided, multiple submitters, no conflicts (2 of 4 stars). 2 submissions from 2 submitters: Uncertain significance (2). Last evaluated 2025-10-07.

Conditions:
Inborn genetic diseases. Identifiers: MedGen C0950123, MeSH D030342.

gnomAD v4.1: 22 of 1,599,140 alleles (0.0014%); highest among the groups gnomAD compares: Admixed American, 0.0018%; no homozygotes.

Submissions (2):

Ambry Genetics
Classification: Uncertain significance for Inborn genetic diseases. Last evaluated: 2025-10-07. Review status: criteria provided, single submitter. Criteria: Ambry Variant Classification Scheme 2023. Collection method: clinical testing. Allele origin: germline.

Labcorp Genetics (formerly Invitae), Labcorp
Classification: Uncertain significance. Last evaluated: 2024-06-26. Review status: criteria provided, single submitter. Criteria: Invitae Variant Classification Sherloc (09022015). Collection method: clinical testing. Allele origin: germline.
Comment: This sequence change replaces arginine, which is basic and polar, with cysteine, which is neutral and slightly polar, at codon 889 of the CEP135 protein (p.Arg889Cys). This variant is present in population databases (rs763318728, gnomAD 0.003%). This variant has not been reported in the literature in individuals affected with CEP135-related conditions. Algorithms developed to predict the effect of missense changes on protein structure and function output the following: SIFT: "Not Available"; PolyPhen-2: "Benign"; Align-GVGD: "Not Available". The cysteine amino acid residue is found in multiple mammalian species, which suggests that this missense change does not adversely affect protein function. In summary, the available evidence is currently insufficient to determine the role of this variant in disease. Therefore, it has been classified as a Variant of Uncertain Significance.

NM_025009.5(CEP135):c.2665C>T (p.Arg889Cys)

Gene: CEP135 (centrosomal protein 135; plus strand). Cytogenetic location: 4q12.
Variant type: single nucleotide variant.
Coding change: c.2665C>T on transcript NM_025009.5 (MANE Select); coding-DNA position 2665, C replaced by T.
Protein change: p.Arg889Cys; replaces arginine 889 with cysteine.
Molecular consequence: missense variant.
Genome position (GRCh38, 1-based): chr4:56,011,848, C>T. VCF-style: chr4-56011848-C-T. GRCh37 (hg19) VCF-style: chr4-56878014-C-T.
Other names: c.2665C>T (NM_025009.3); short protein forms R889C.
Identifiers: ClinVar variation 3612875 (VCV003612875.2).